The following is an entry in ClinVar:

NM_006516.4(SLC2A1):c.545A>G (p.Asn182Ser)

Gene: SLC2A1 (solute carrier family 2 member 1; minus strand). Cytogenetic location: 1p34.2.
Variant type: single nucleotide variant.
Coding change: c.545A>G on transcript NM_006516.4 (MANE Select); coding-DNA position 545, A replaced by G.
Protein change: p.Asn182Ser; replaces asparagine 182 with serine.
Molecular consequence: missense variant.
Genome position (GRCh38, 1-based): chr1:42,930,007, T>C on the plus strand (A>G on the coding strand, the complement: SLC2A1 is on the minus strand). VCF-style: chr1-42930007-T-C. GRCh37 (hg19) VCF-style: chr1-43395678-T-C.
Other names: short protein forms N182S.
Identifiers: ClinVar variation 1001988 (VCV001001988.10), dbSNP rs1643471237, ClinGen allele CA339958770.

ClinVar aggregate classification (germline): Uncertain significance. Review status: criteria provided, multiple submitters, no conflicts (2 of 4 stars). 2 submissions from 2 submitters: Uncertain significance (2). Last evaluated 2024-06-19.

Conditions:
GLUT1 deficiency syndrome 1, autosomal recessive. Identifiers: MedGen C3149117.

Allele frequency attached by ClinVar (database versions not stated): gnomAD exomes below 0.00001.
gnomAD v4.1: 1 of 1,614,112 alleles (0.000062%); highest among the groups gnomAD compares: African/African-American, 0.0013%; no homozygotes.

Submissions (2):

Labcorp Genetics (formerly Invitae), Labcorp
Classification: Uncertain significance for GLUT1 deficiency syndrome 1, autosomal recessive. Last evaluated: 2024-06-19. Review status: criteria provided, single submitter. Criteria: Invitae Variant Classification Sherloc (09022015). Collection method: clinical testing. Allele origin: germline.
Comment: This sequence change replaces asparagine, which is neutral and polar, with serine, which is neutral and polar, at codon 182 of the SLC2A1 protein (p.Asn182Ser). This variant is not present in population databases (gnomAD no frequency). This variant has not been reported in the literature in individuals affected with SLC2A1-related conditions. ClinVar contains an entry for this variant (Variation ID: 1001988). Advanced modeling of protein sequence and biophysical properties (such as structural, functional, and spatial information, amino acid conservation, physicochemical variation, residue mobility, and thermodynamic stability) performed at Invitae indicates that this missense variant is not expected to disrupt SLC2A1 protein function with a negative predictive value of 95%. In summary, the available evidence is currently insufficient to determine the role of this variant in disease. Therefore, it has been classified as a Variant of Uncertain Significance.

Blueprint Genetics
Classification: Uncertain significance. Last evaluated: 2021-05-21. Review status: criteria provided, single submitter. Criteria: ACMG Guidelines, 2015. Collection method: clinical testing. Allele origin: germline.